The following is an entry in ClinVar:

NM_003803.4(MYOM1):c.685G>A (p.Ala229Thr)

Gene: MYOM1 (myomesin 1; minus strand). Cytogenetic location: 18p11.31.
Variant type: single nucleotide variant.
Coding change: c.685G>A on transcript NM_003803.4 (MANE Select); coding-DNA position 685, G replaced by A.
Protein change: p.Ala229Thr; replaces alanine 229 with threonine.
Molecular consequence: missense variant.
Genome position (GRCh38, 1-based): chr18:3,188,834, C>T on the plus strand (G>A on the coding strand, the complement: MYOM1 is on the minus strand). VCF-style: chr18-3188834-C-T. GRCh37 (hg19) VCF-style: chr18-3188832-C-T.
Other names: c.685G>A, p.Ala229Thr (NM_019856.2); c.685G>A (NM_003803.3); short protein forms A229T.
Identifiers: ClinVar variation 1366723 (VCV001366723.7), dbSNP rs762212739, ClinGen allele CA8875176.

ClinVar aggregate classification (germline): Conflicting classifications of pathogenicity. Review status: criteria provided, conflicting classifications (1 of 4 stars). 2 submissions from 2 submitters: Uncertain significance (1); Likely benign (1). Last evaluated 2025-08-11.

Conditions:
Hypertrophic cardiomyopathy. Also called: HYPERTROPHIC MYOCARDIOPATHY. Identifiers: Orphanet 217569, MedGen C0007194, MeSH D002312, MONDO:0005045, HP:0001639.

Allele frequency attached by ClinVar (database versions not stated): gnomAD exomes 0.00003; ExAC 0.00004; gnomAD 0.00005 and 0.00006.

Submissions (2):

Labcorp Genetics (formerly Invitae), Labcorp
Classification: Uncertain significance for Hypertrophic cardiomyopathy. Last evaluated: 2025-08-11. Review status: criteria provided, single submitter. Criteria: Invitae Variant Classification Sherloc (09022015). Collection method: clinical testing. Allele origin: germline.
Comment: This sequence change replaces alanine, which is neutral and non-polar, with threonine, which is neutral and polar, at codon 229 of the MYOM1 protein (p.Ala229Thr). This variant is present in population databases (rs762212739, gnomAD 0.005%). This variant has not been reported in the literature in individuals affected with MYOM1-related conditions. ClinVar contains an entry for this variant (Variation ID: 1366723). Invitae Evidence Modeling of protein sequence and biophysical properties (such as structural, functional, and spatial information, amino acid conservation, physicochemical variation, residue mobility, and thermodynamic stability) indicates that this missense variant is not expected to disrupt MYOM1 protein function with a negative predictive value of 80%. In summary, the available evidence is currently insufficient to determine the role of this variant in disease. Therefore, it has been classified as a Variant of Uncertain Significance.

Ambry Genetics
Classification: Likely benign. Last evaluated: 2024-08-20. Review status: criteria provided, single submitter. Criteria: Ambry Variant Classification Scheme 2023. Collection method: clinical testing. Allele origin: germline.